The following is an entry in ClinVar:

NM_002224.4(ITPR3):c.2016C>G (p.Pro672=)

Gene: ITPR3 (inositol 1,4,5-trisphosphate receptor type 3; plus strand). Cytogenetic location: 6p21.31.
Variant type: single nucleotide variant.
Coding change: c.2016C>G on transcript NM_002224.4 (MANE Select); coding-DNA position 2016, C replaced by G.
Protein change: p.Pro672=; no amino-acid change (proline 672 retained).
Molecular consequence: synonymous variant.
Genome position (GRCh38, 1-based): chr6:33,668,983, C>G. VCF-style: chr6-33668983-C-G. GRCh37 (hg19) VCF-style: chr6-33636760-C-G.
Identifiers: ClinVar variation 724268 (VCV000724268.5), dbSNP rs150364600, ClinGen allele CA3760458.

ClinVar aggregate classification (germline): Benign/Likely benign. Review status: criteria provided, multiple submitters, no conflicts (2 of 4 stars). 2 submissions from 2 submitters: Benign (1); Likely benign (1). Last evaluated 2026-09-01.

Allele frequency attached by ClinVar (database versions not stated): ExAC 0.00025; 1000 Genomes Project 0.00040; 1000 Genomes Project 30x 0.00047; gnomAD 0.00064; TOPMed 0.00082; ESP Exome Variant Server 0.00085.
gnomAD v4.1: 222 of 1,613,586 alleles (0.014%); highest among the groups gnomAD compares: African/African-American, 0.25%; no homozygotes.

Submissions (2):

CeGaT Center for Human Genetics Tuebingen
Classification: Likely benign. Last evaluated: 2026-09-01. Review status: criteria provided, single submitter. Criteria: CeGaT Center For Human Genetics Tuebingen Variant Classification Criteria Version 2. Collection method: clinical testing. Allele origin: germline. Affected: yes. Observed: 1 variant allele.
Comment: ITPR3: BP4, BP7, BS1

Labcorp Genetics (formerly Invitae), Labcorp
Classification: Benign. Last evaluated: 2019-12-31. Review status: criteria provided, single submitter. Criteria: Invitae Variant Classification Sherloc (09022015). Collection method: clinical testing. Allele origin: germline.